The following is an entry in ClinVar:

NM_000271.5(NPC1):c.3026_3027del (p.Pro1009fs)

Gene: NPC1 (NPC intracellular cholesterol transporter 1; minus strand). Cytogenetic location: 18q11.2.
Variant type: Deletion.
Coding change: c.3026_3027del on transcript NM_000271.5 (MANE Select); coding-DNA positions 3026 to 3027, 2 bases deleted (CC; older notation c.3026_3027delCC).
Protein change: p.Pro1009fs; shifts the reading frame from proline 1009.
Molecular consequence: frameshift variant.
Genome position (GRCh38, 1-based): chr18:23,538,556-23,538,557, GG deleted on the plus strand (CC on the coding strand, the reverse complement: NPC1 is on the minus strand); deleting any 2 consecutive bases within chr18:23,538,556-23,538,559 gives the same sequence; the c. name uses the placement nearest the transcript's 3' end. VCF-style (leftmost placement, unchanged base first): chr18-23538555-TGG-T. GRCh37 (hg19) VCF-style: chr18-21118519-TGG-T.
Other names: short protein forms P1009fs.
Identifiers: ClinVar variation 1725209 (VCV001725209.2), dbSNP rs1598942578, ClinGen allele CA2580095495.
Genomic context (GRCh38, chr18:23,538,555, plus strand): 5'-AATTAAAGTTGCAGTGGATGCTTATCTGCAATGGCAGCAGCACTTACCCTTTGCCACACT[TGG>T]GGTTAGGGTTATCCGAAAGGAACATGGGCAGGAATCTCATGAAGTCTCCCCCCTGAGGCC-3'

ClinVar aggregate classification (germline): Likely pathogenic (1 of 4 stars; one submission).

Conditions:
Niemann-Pick disease, type C1. Also called: NEUROVISCERAL STORAGE DISEASE WITH VERTICAL SUPRANUCLEAR OPHTHALMOPLEGIA; NIEMANN-PICK DISEASE WITH CHOLESTEROL ESTERIFICATION BLOCK; NIEMANN-PICK DISEASE WITHOUT SPHINGOMYELINASE DEFICIENCY; NIEMANN-PICK DISEASE, CHRONIC NEURONOPATHIC FORM; NIEMANN-PICK DISEASE, VARIANT TYPE C1. Identifiers: Orphanet 646, MedGen C3179455, MONDO:0009757, OMIM 257220.

Submission:

Myriad Genetics, Inc.
Classification: Likely pathogenic for Niemann-Pick disease, type C1. Last evaluated: 2022-03-14. Review status: criteria provided, single submitter. Criteria: Myriad Women's Health Autosomal Recessive and X-Linked Classification Criteria (2021). Collection method: clinical testing. Allele origin: unknown.
Comment: NM_000271.4(NPC1):c.3026_3027delCC(P1009Qfs*11) is expected to be pathogenic in the context of Niemann-Pick disease type C1. This variant is predicted to lead to an abnormal or absent protein product due to the creation of a premature termination codon in NPC1, a gene where loss-of-function variants are known to be pathogenic. Please note: this variant was assessed in the context of healthy population screening.